The following is an entry in ClinVar:

ClinVar aggregate classification (germline): Uncertain significance (1 of 4 stars; one submission).

Submission:

Labcorp Genetics (formerly Invitae), Labcorp
Classification: Uncertain significance. Last evaluated: 2024-04-26. Review status: criteria provided, single submitter. Criteria: Invitae Variant Classification Sherloc (09022015). Collection method: clinical testing. Allele origin: germline.
Comment: This sequence change replaces tryptophan, which is neutral and slightly polar, with leucine, which is neutral and non-polar, at codon 1790 of the MTOR protein (p.Trp1790Leu). This variant is not present in population databases (gnomAD no frequency). This variant has not been reported in the literature in individuals affected with MTOR-related conditions. Advanced modeling of protein sequence and biophysical properties (such as structural, functional, and spatial information, amino acid conservation, physicochemical variation, residue mobility, and thermodynamic stability) performed at Invitae indicates that this missense variant is not expected to disrupt MTOR protein function with a negative predictive value of 95%. In summary, the available evidence is currently insufficient to determine the role of this variant in disease. Therefore, it has been classified as a Variant of Uncertain Significance.

NM_004958.4(MTOR):c.5369G>T (p.Trp1790Leu)

Gene: MTOR (mechanistic target of rapamycin kinase; minus strand). Cytogenetic location: 1p36.22.
Variant type: single nucleotide variant.
Coding change: c.5369G>T on transcript NM_004958.4 (MANE Select); coding-DNA position 5369, G replaced by T.
Protein change: p.Trp1790Leu; replaces tryptophan 1790 with leucine.
Molecular consequence: missense variant.
Genome position (GRCh38, 1-based): chr1:11,130,773, C>A on the plus strand (G>T on the coding strand, the complement: MTOR is on the minus strand). VCF-style: chr1-11130773-C-A. GRCh37 (hg19) VCF-style: chr1-11190830-C-A.
Other names: c.5369G>T, p.Trp1790Leu (NM_001386500.1); c.4121G>T, p.Trp1374Leu (NM_001386501.1); short protein forms W1374L, W1790L.
Identifiers: ClinVar variation 3633482 (VCV003633482.2).